The following is an entry in ClinVar:

ClinVar aggregate classification (germline): Uncertain significance (1 of 4 stars; one submission).

Submission:

GeneDx
Classification: Uncertain significance. Last evaluated: 2026-03-19. Review status: criteria provided, single submitter. Criteria: GeneDx Variant Classification Process June 2021. Collection method: clinical testing. Allele origin: germline.
Comment: In silico analysis suggests that this missense variant does not alter protein structure/function; Has not been previously published as pathogenic or benign to our knowledge

NM_005689.4(ABCB6):c.41T>C (p.Val14Ala)

Gene: ABCB6 (ATP binding cassette subfamily B member 6 (LAN blood group); minus strand). Cytogenetic location: 2q35.
Variant type: single nucleotide variant.
Coding change: c.41T>C on transcript NM_005689.4 (MANE Select); coding-DNA position 41, T replaced by C.
Protein change: p.Val14Ala; replaces valine 14 with alanine.
Molecular consequence: missense variant.
Genome position (GRCh38, 1-based): chr2:219,218,633, A>G on the plus strand (T>C on the coding strand, the complement: ABCB6 is on the minus strand). VCF-style: chr2-219218633-A-G. GRCh37 (hg19) VCF-style: chr2-220083355-A-G.
Other names: c.41T>C, p.Val14Ala (NM_001349828.2); short protein forms V14A.
Identifiers: ClinVar variation 5009418 (VCV005009418.1).